The following is an entry in ClinVar:

ClinVar aggregate classification (germline): Pathogenic (1 of 4 stars; one submission).

Conditions:
Arrhythmogenic cardiomyopathy with wooly hair and keratoderma. Also called: Carvajal syndrome; Arrhythmogenic cardiomyopathy with woolly hair and keratoderma; PALMOPLANTAR KERATODERMA WITH LEFT VENTRICULAR CARDIOMYOPATHY AND WOOLLY HAIR; Dilated cardiomyopathy with woolly hair and keratoderma. Identifiers: Orphanet 65282, MedGen C1854063, MONDO:0011581, OMIM 605676.
Arrhythmogenic right ventricular dysplasia 8 (ARVD8). Also called: Arrhythmogenic Right Ventricular Dysplasia/Cardiomyopathy 8; ARRHYTHMOGENIC RIGHT VENTRICULAR DYSPLASIA, FAMILIAL, 8; ARRHYTHMOGENIC RIGHT VENTRICULAR CARDIOMYOPATHY 8. Identifiers: MedGen C1843896, MONDO:0011831, OMIM 607450.

Submission:

Labcorp Genetics (formerly Invitae), Labcorp
Classification: Pathogenic for Arrhythmogenic cardiomyopathy with wooly hair and keratoderma; Arrhythmogenic right ventricular dysplasia 8. Last evaluated: 2019-01-12. Review status: criteria provided, single submitter. Criteria: Invitae Variant Classification Sherloc (09022015). Collection method: clinical testing. Allele origin: germline.
Comment: For these reasons, this variant has been classified as Pathogenic. Truncations (p.Arg2166* and p.Thr2634Lysfs*4) that lie within the deleted region of this variant have been determined to be pathogenic (PMID: 26899768,¬†11063735). This suggests that deletion of this region of the DSP protein is causative of disease. This variant has not been reported in the literature in individuals with DSP-related disease. This variant is a gross deletion of the genomic region encompassing exons 13-24 of the DSP gene. The 5' boundary is likely confined to intron 12. The 3' end of this event is unknown as it extends through the termination codon beyond the assayed region for this gene and may encompass additional genes. While this deletion is not anticipated to result in nonsense mediated decay, it is expected to create a truncated protein product or disrupt mRNA translation.

Literature cited by the submitters: PubMed 26899768.

NC_000006.12:g.(?_7570427)_(7585888_?)del

Gene: DSP (desmoplakin; plus strand). Cytogenetic location: 6p24.3.
Variant type: Deletion.
Identifiers: ClinVar variation 832649 (VCV000832649.10).